The following is an entry in ClinVar:

NM_000362.5(TIMP3):c.361G>A (p.Val121Met)

Genes: SYN3 (synapsin III; minus strand), TIMP3 (TIMP metallopeptidase inhibitor 3; plus strand). Cytogenetic location: 22q12.3.
Variant type: single nucleotide variant.
Coding change: c.361G>A on transcript NM_000362.5 (MANE Select); coding-DNA position 361, G replaced by A.
Protein change: p.Val121Met; replaces valine 121 with methionine.
Molecular consequence: missense variant. On other transcripts: intron variant (7).
Genome position (GRCh38, 1-based): chr22:32,858,061, G>A. VCF-style: chr22-32858061-G-A. GRCh37 (hg19) VCF-style: chr22-33254048-G-A.
Other names: c.361G>A (NM_000362.4); c.708+6854C>T (NM_001369909.1, NM_001135774.2, NM_001369910.1); c.711+6854C>T (NM_001369907.1, NM_003490.4, NM_001369908.1 and 1 more transcripts); short protein forms V121M.
Identifiers: ClinVar variation 1125573 (VCV001125573.12), dbSNP rs145285380, ClinGen allele CA10202241.
Genomic context (GRCh38, chr22:32,858,061, plus strand): 5'-TTCTTTCCTCCTGTAGGTCGCGTCTATGATGGCAAGATGTACACGGGGCTGTGCAACTTC[G>A]TGGAGAGGTGGGACCAGCTCACCCTCTCCCAGCGCAAGGGGCTGAACTATCGGTATCACC-3'
Protein context (NP_000353.1, residues 111-131): GKMYTGLCNF[Val121Met]ERWDQLTLSQ

ClinVar aggregate classification (germline): Likely benign. Review status: criteria provided, multiple submitters, no conflicts (2 of 4 stars). 4 submissions from 4 submitters: Likely benign (4). Last evaluated 2026-01-06.

Conditions:
TIMP3-related disorder. Also called: TIMP3-related condition.

Allele frequency attached by ClinVar (database versions not stated): ESP Exome Variant Server 0.00085; gnomAD 0.00091 and 0.00099; TOPMed 0.00102; 1000 Genomes Project 30x 0.00109; 1000 Genomes Project 0.00060.
gnomAD v4.1: 294 of 1,614,172 alleles (0.018%); highest among the groups gnomAD compares: African/African-American, 0.35%; 1 homozygote.

Submissions (4):

Labcorp Genetics (formerly Invitae), Labcorp
Classification: Likely benign. Last evaluated: 2026-01-06. Review status: criteria provided, single submitter. Criteria: Invitae Variant Classification Sherloc (09022015). Collection method: clinical testing. Allele origin: germline.

PreventionGenetics, part of Exact Sciences
Classification: Likely benign for TIMP3-related condition. Last evaluated: 2025-06-14. Review status: criteria provided, single submitter. Criteria: ACMG Guidelines, 2015. Collection method: clinical testing. Allele origin: germline.
Comment: This variant is classified as likely benign based on ACMG/AMP sequence variant interpretation guidelines (Richards et al. 2015 PMID: 25741868, with internal and published modifications).

Blueprint Genetics
Classification: Likely benign. Last evaluated: 2023-07-12. Review status: criteria provided, single submitter. Criteria: ACMG Guidelines, 2015. Collection method: clinical testing. Allele origin: germline.

Breakthrough Genomics
Classification: Likely benign. Review status: criteria provided, single submitter. Criteria: ACMG Guidelines, 2015. Collection method: not provided. Allele origin: germline. Inheritance: Autosomal dominant inheritance. Affected: yes.